The following is an entry in ClinVar:

ClinVar aggregate classification (germline): Uncertain significance. Review status: criteria provided, multiple submitters, no conflicts (2 of 4 stars). 2 submissions from 2 submitters: Uncertain significance (2). Last evaluated 2026-06-23.

Conditions:
Inborn genetic diseases. Identifiers: MedGen C0950123, MeSH D030342.
Hyperkalemic periodic paralysis. Also called: Gamstorp disease; Familial hyperkalemic periodic paralysis. Identifiers: Orphanet 682, MedGen C0238357, MONDO:0008224, OMIM 170500, HP:0007215.

Allele frequency attached by ClinVar (database versions not stated): gnomAD 0.00001; gnomAD exomes 0.00001; ExAC 0.00001.
gnomAD v4.1: 17 of 1,613,888 alleles (0.0011%); highest among the groups gnomAD compares: South Asian, 0.014%; no homozygotes.

Submissions (2):

Ambry Genetics
Classification: Uncertain significance for Inborn genetic diseases. Last evaluated: 2026-06-23. Review status: criteria provided, single submitter. Criteria: Ambry Variant Classification Scheme 2023. Collection method: clinical testing. Allele origin: germline.

Labcorp Genetics (formerly Invitae), Labcorp
Classification: Uncertain significance for Hyperkalemic periodic paralysis. Last evaluated: 2022-09-27. Review status: criteria provided, single submitter. Criteria: Invitae Variant Classification Sherloc (09022015). Collection method: clinical testing. Allele origin: germline.
Comment: This sequence change replaces lysine, which is basic and polar, with arginine, which is basic and polar, at codon 1083 of the SCN4A protein (p.Lys1083Arg). In summary, the available evidence is currently insufficient to determine the role of this variant in disease. Therefore, it has been classified as a Variant of Uncertain Significance. Advanced modeling of protein sequence and biophysical properties (such as structural, functional, and spatial information, amino acid conservation, physicochemical variation, residue mobility, and thermodynamic stability) performed at Invitae indicates that this missense variant is expected to disrupt SCN4A protein function. ClinVar contains an entry for this variant (Variation ID: 1014367). This variant has not been reported in the literature in individuals affected with SCN4A-related conditions. This variant is present in population databases (rs774069214, gnomAD 0.006%).

NM_000334.4(SCN4A):c.3248A>G (p.Lys1083Arg)

Genes: GH-LCR (growth hormone locus control region; plus strand), SCN4A (sodium voltage-gated channel alpha subunit 4; minus strand). Cytogenetic location: 17q23.3.
Variant type: single nucleotide variant.
Coding change: c.3248A>G on transcript NM_000334.4 (MANE Select); coding-DNA position 3248, A replaced by G.
Protein change: p.Lys1083Arg; replaces lysine 1083 with arginine.
Molecular consequence: missense variant.
Genome position (GRCh38, 1-based): chr17:63,947,960, T>C on the plus strand (A>G on the coding strand, the complement: SCN4A is on the minus strand). VCF-style: chr17-63947960-T-C. GRCh37 (hg19) VCF-style: chr17-62025320-T-C.
Other names: short protein forms K1083R.
Identifiers: ClinVar variation 1014367 (VCV001014367.10), dbSNP rs774069214, ClinGen allele CA8709338.